The following is an entry in ClinVar:

ClinVar aggregate classification (germline): Uncertain significance (1 of 4 stars; one submission).

Submission:

GeneDx
Classification: Uncertain significance. Last evaluated: 2022-04-15. Review status: criteria provided, single submitter. Criteria: GeneDx Variant Classification Process June 2021. Collection method: clinical testing. Allele origin: germline. Affected: yes.
Comment: Not observed at significant frequency in large population cohorts (gnomAD); In silico analysis supports that this missense variant does not alter protein structure/function; Has not been previously published as pathogenic or benign to our knowledge

NM_000489.6(ATRX):c.2606A>G (p.Lys869Arg)

Gene: ATRX (ATRX chromatin remodeler; minus strand). Cytogenetic location: Xq21.1.
Variant type: single nucleotide variant.
Coding change: c.2606A>G on transcript NM_000489.6 (MANE Select); coding-DNA position 2606, A replaced by G.
Protein change: p.Lys869Arg; replaces lysine 869 with arginine.
Molecular consequence: missense variant.
Genome position (GRCh38, 1-based): chrX:77,682,650, T>C on the plus strand (A>G on the coding strand, the complement: ATRX is on the minus strand). VCF-style: chrX-77682650-T-C. GRCh37 (hg19) VCF-style: chrX-76938142-T-C.
Other names: c.2492A>G, p.Lys831Arg (NM_138270.5); short protein forms K831R, K869R.
Identifiers: ClinVar variation 1710870 (VCV001710870.2), dbSNP rs2148593197, ClinGen allele CA413711466.